The following is an entry in ClinVar:

NM_024334.3(TMEM43):c.583+3A>G

Gene: TMEM43 (transmembrane protein 43; plus strand). Cytogenetic location: 3p25.1.
Variant type: single nucleotide variant.
Coding change: c.583+3A>G on transcript NM_024334.3 (MANE Select); 3 bases into the intron after coding-DNA position 583, A replaced by G.
Molecular consequence: intron variant.
Genome position (GRCh38, 1-based): chr3:14,133,812, A>G. VCF-style: chr3-14133812-A-G. GRCh37 (hg19) VCF-style: chr3-14175312-A-G.
Identifiers: ClinVar variation 229321 (VCV000229321.6), dbSNP rs876658021, ClinGen allele CA10576610.

ClinVar aggregate classification (germline): Uncertain significance. Review status: criteria provided, multiple submitters, no conflicts (2 of 4 stars). 2 submissions from 2 submitters: Uncertain significance (2). Last evaluated 2024-01-16.

Conditions:
Cardiomyopathy (CMYO). Also called: Cardiomyopathies. Identifiers: Orphanet 167848, MedGen C0878544, MONDO:0004994, HP:0001638. Inheritance: Various modes of inheritance.

Allele frequency attached by ClinVar (database versions not stated): TOPMed 0.00001.

Submissions (2):

Color Diagnostics, LLC DBA Color Health
Classification: Uncertain significance for Cardiomyopathy. Last evaluated: 2024-01-16. Review status: criteria provided, single submitter. Criteria: ACMG Guidelines, 2015. Collection method: clinical testing. Allele origin: germline.
Comment: This variant causes an A to G nucleotide substitution at the +3 position of intron 7/11 of the TMEM43 gene. To our knowledge, functional studies have not been reported for this variant. This variant has not been reported in individuals affected with TMEM43-related disorders in the literature. This variant has not been identified in the general population by the Genome Aggregation Database (gnomAD). The available evidence is insufficient to determine the role of this variant in disease conclusively. Therefore, this variant is classified as a Variant of Uncertain Significance.

Laboratory for Molecular Medicine, Mass General Brigham Personalized Medicine
Classification: Uncertain significance. Last evaluated: 2015-03-21. Review status: criteria provided, single submitter. Criteria: LMM Criteria. Collection method: clinical testing. Allele origin: germline. Observed: 2 variant alleles.
Comment: Variant classified as Uncertain Significance - Favor Benign. The c.583+3A>G vari ant in TMEM43 has not been previously reported in individuals with cardiomyopath y and was absent from large population studies. This variant is located in the 5 ' splice region. Computational tools do not suggest an impact to splicing and at >15 mammals carry a guanine nucleotide (G) at this position. Moreover, guanine is the second most common nucleotide at this position in the consensus splice se quence, supporting that this change may be tolerated. In summary, while the clin ical significance of the c.583+3A>G variant is uncertain, these data suggest tha t it is more likely to be benign.